The following is an entry in ClinVar:

ClinVar aggregate classification (germline): Uncertain significance (1 of 4 stars; one submission).

Conditions:
Brugada syndrome 8 (BRGDA8). Identifiers: Orphanet 130, MedGen C2751083, MONDO:0013148, OMIM 613123.

gnomAD v4.1: 6 of 1,614,232 alleles (0.00037%); highest among the groups gnomAD compares: Non-Finnish European, 0.00051%; no homozygotes.

Submission:

Labcorp Genetics (formerly Invitae), Labcorp
Classification: Uncertain significance for Brugada syndrome 8. Last evaluated: 2025-07-29. Review status: criteria provided, single submitter. Criteria: Invitae Variant Classification Sherloc (09022015). Collection method: clinical testing. Allele origin: germline.
Comment: This sequence change replaces serine, which is neutral and polar, with asparagine, which is neutral and polar, at codon 641 of the HCN4 protein (p.Ser641Asn). This variant is not present in population databases (gnomAD no frequency). This variant has not been reported in the literature in individuals affected with HCN4-related conditions. Invitae Evidence Modeling of protein sequence and biophysical properties (such as structural, functional, and spatial information, amino acid conservation, physicochemical variation, residue mobility, and thermodynamic stability) has been performed for this missense variant. However, the output from this modeling did not meet the statistical confidence thresholds required to predict the impact of this variant on HCN4 protein function. In summary, the available evidence is currently insufficient to determine the role of this variant in disease. Therefore, it has been classified as a Variant of Uncertain Significance.

NM_005477.3(HCN4):c.1922G>A (p.Ser641Asn)

Gene: HCN4 (hyperpolarization activated cyclic nucleotide gated potassium channel 4; minus strand). Cytogenetic location: 15q24.1.
Variant type: single nucleotide variant.
Coding change: c.1922G>A on transcript NM_005477.3 (MANE Select); coding-DNA position 1922, G replaced by A.
Protein change: p.Ser641Asn; replaces serine 641 with asparagine.
Molecular consequence: missense variant.
Genome position (GRCh38, 1-based): chr15:73,325,011, C>T on the plus strand (G>A on the coding strand, the complement: HCN4 is on the minus strand). VCF-style: chr15-73325011-C-T. GRCh37 (hg19) VCF-style: chr15-73617352-C-T.
Other names: short protein forms S641N.
Identifiers: ClinVar variation 4701941 (VCV004701941.1).